The following is an entry in ClinVar:

NM_003072.5(SMARCA4):c.1983C>G (p.Gly661=)

Gene: SMARCA4 (SWI/SNF related BAF chromatin remodeling complex subunit ATPase 4; plus strand). Cytogenetic location: 19p13.2.
Variant type: single nucleotide variant.
Coding change: c.1983C>G on transcript NM_003072.5 (MANE Select); coding-DNA position 1983, C replaced by G.
Protein change: p.Gly661=; no amino-acid change (glycine 661 retained).
Molecular consequence: synonymous variant. On other transcripts: non-coding transcript variant (1).
Genome position (GRCh38, 1-based): chr19:11,003,379, C>G. VCF-style: chr19-11003379-C-G. GRCh37 (hg19) VCF-style: chr19-11114055-C-G.
Other names: c.1983C>G, p.Gly661= (NM_001128844.3, NM_001128845.2, NM_001128846.2 and 6 more transcripts).
Identifiers: ClinVar variation 3233083 (VCV003233083.4), dbSNP rs1555768770, ClinGen allele CA505486479.

ClinVar aggregate classification (germline): Benign/Likely benign. Review status: criteria provided, multiple submitters, no conflicts (2 of 4 stars). 3 submissions from 3 submitters: Benign (1); Likely benign (2). Last evaluated 2026-07-10.

Conditions:
Hereditary cancer-predisposing syndrome. Also called: Tumor predisposition; Hereditary neoplastic syndrome; Hereditary Cancer Syndrome; Neoplastic Syndromes, Hereditary. Identifiers: Orphanet 140162, MedGen C0027672, MeSH D009386, MONDO:0015356.
Rhabdoid tumor predisposition syndrome 2 (RTPS2). Identifiers: Orphanet 231108, Orphanet 69077, MedGen C2750074, MONDO:0013224, OMIM 613325.

Submissions (3):

Myriad Genetics, Inc.
Classification: Benign for Rhabdoid tumor predisposition syndrome 2. Last evaluated: 2026-07-10. Review status: criteria provided, single submitter. Criteria: Myriad Autosomal Dominant, Autosomal Recessive and X-Linked Classification Criteria (2023). Collection method: clinical testing. Allele origin: unknown.
Comment: This variant is considered benign. This variant is a silent/synonymous amino acid change and it is not expected to impact splicing.

Labcorp Genetics (formerly Invitae), Labcorp
Classification: Likely benign for Rhabdoid tumor predisposition syndrome 2. Last evaluated: 2024-09-16. Review status: criteria provided, single submitter. Criteria: Invitae Variant Classification Sherloc (09022015). Collection method: clinical testing. Allele origin: germline.

Ambry Genetics
Classification: Likely benign for Hereditary cancer-predisposing syndrome. Last evaluated: 2023-12-23. Review status: criteria provided, single submitter. Criteria: Ambry Variant Classification Scheme 2023. Collection method: clinical testing. Allele origin: germline.